The following is an entry in ClinVar:

ClinVar aggregate classification (germline): Uncertain significance (1 of 4 stars; one submission).

Conditions:
Inborn genetic diseases. Identifiers: MedGen C0950123, MeSH D030342.

Submission:

Ambry Genetics
Classification: Uncertain significance for Inborn genetic diseases. Last evaluated: 2024-12-20. Review status: criteria provided, single submitter. Criteria: Ambry Variant Classification Scheme 2023. Collection method: clinical testing. Allele origin: germline.
Comment: The p.L877P variant (also known as c.2630T>C), located in coding exon 17 of the PIK3CA gene, results from a T to C substitution at nucleotide position 2630. The leucine at codon 877 is replaced by proline, an amino acid with similar properties. This amino acid position is conserved. In addition, this alteration is predicted to be deleterious by in silico analysis. Based on the available evidence, the clinical significance of this variant remains unclear.

NM_006218.4(PIK3CA):c.2630T>C (p.Leu877Pro)

Gene: PIK3CA (phosphatidylinositol-4,5-bisphosphate 3-kinase catalytic subunit alpha; plus strand). Cytogenetic location: 3q26.32.
Variant type: single nucleotide variant.
Coding change: c.2630T>C on transcript NM_006218.4 (MANE Select); coding-DNA position 2630, T replaced by C.
Protein change: p.Leu877Pro; replaces leucine 877 with proline.
Molecular consequence: missense variant.
Genome position (GRCh38, 1-based): chr3:179,229,406, T>C. VCF-style: chr3-179229406-T-C. GRCh37 (hg19) VCF-style: chr3-178947194-T-C.
Other names: short protein forms L877P.
Identifiers: ClinVar variation 3888934 (VCV003888934.1).